The following is an entry in ClinVar:

NM_001365480.1(CCDC88A):c.883-6G>A

Gene: CCDC88A (coiled-coil and HOOK domain protein 88A; minus strand). Cytogenetic location: 2p16.1.
Variant type: single nucleotide variant.
Coding change: c.883-6G>A on transcript NM_001365480.1 (MANE Select); 6 bases into the intron before coding-DNA position 883, G replaced by A.
Molecular consequence: intron variant.
Genome position (GRCh38, 1-based): chr2:55,346,339, C>T on the plus strand (G>A on the coding strand, the complement: CCDC88A is on the minus strand). VCF-style: chr2-55346339-C-T. GRCh37 (hg19) VCF-style: chr2-55573475-C-T.
Other names: c.883-6G>A (NM_001254943.2, NM_001135597.2, NM_018084.5).
Identifiers: ClinVar variation 730856 (VCV000730856.21), dbSNP rs112877413, ClinGen allele CA1666257.

ClinVar aggregate classification (germline): Benign/Likely benign. Review status: criteria provided, multiple submitters, no conflicts (2 of 4 stars). 4 submissions from 4 submitters: Benign (2); Likely benign (2). Last evaluated 2026-02-02.

Allele frequency attached by ClinVar (database versions not stated): gnomAD exomes 0.00106; ExAC 0.00115; ESP Exome Variant Server 0.00277; gnomAD 0.00334 and 0.00356; 1000 Genomes Project 0.00359; 1000 Genomes Project 30x 0.00359; TOPMed 0.00383.
gnomAD v4.1: 1,225 of 1,540,238 alleles (0.08%); highest among the groups gnomAD compares: African/African-American, 1%; 6 homozygotes.

Submissions (4):

Labcorp Genetics (formerly Invitae), Labcorp
Classification: Benign. Last evaluated: 2026-02-02. Review status: criteria provided, single submitter. Criteria: Invitae Variant Classification Sherloc (09022015). Collection method: clinical testing. Allele origin: germline.

CeGaT Center for Human Genetics Tuebingen
Classification: Likely benign. Last evaluated: 2025-07-01. Review status: criteria provided, single submitter. Criteria: CeGaT Center For Human Genetics Tuebingen Variant Classification Criteria Version 2. Collection method: clinical testing. Allele origin: germline. Affected: yes. Observed: 1 variant allele.
Comment: CCDC88A: BP4, BS1

Blueprint Genetics
Classification: Likely benign. Last evaluated: 2024-11-11. Review status: criteria provided, single submitter. Criteria: ACMG Guidelines, 2015. Collection method: clinical testing. Allele origin: germline.

Breakthrough Genomics
Classification: Benign. Review status: criteria provided, single submitter. Criteria: ACMG Guidelines, 2015. Collection method: not provided. Allele origin: germline. Inheritance: Autosomal recessive inheritance. Affected: yes.